The following is an entry in ClinVar:

NM_002180.3(IGHMBP2):c.2316C>T (p.Ser772=)

Gene: IGHMBP2 (immunoglobulin mu DNA binding protein 2; plus strand). Cytogenetic location: 11q13.3.
Variant type: single nucleotide variant.
Coding change: c.2316C>T on transcript NM_002180.3 (MANE Select); coding-DNA position 2316, C replaced by T.
Protein change: p.Ser772=; no amino-acid change (serine 772 retained).
Molecular consequence: synonymous variant.
Genome position (GRCh38, 1-based): chr11:68,936,796, C>T. VCF-style: chr11-68936796-C-T. GRCh37 (hg19) VCF-style: chr11-68704264-C-T.
Other names: p.Ser772=.
Identifiers: ClinVar variation 258570 (VCV000258570.41), dbSNP rs546382, ClinGen allele CA6153881.
Genomic context (GRCh38, chr11:68,936,796, plus strand): 5'-CCACGACAGGCTGCGGGTCCACCAAATAGCCGAGGAGCACGGGCTGAGGCACGACAGTTC[C>T]GGGGAAGGGAAGAGGAGGTTCATCACTGTGAGCAAGAGGGCCCCGCGACCCCGAGCAGCC-3'
Protein context (NP_002171.2, residues 762-782): AEEHGLRHDS[Ser772=]GEGKRRFITV

ClinVar aggregate classification (germline): Benign/Likely benign. Review status: criteria provided, multiple submitters, no conflicts (2 of 4 stars). 15 submissions from 15 submitters: Benign (11); Likely benign (1). 3 of the submissions do not count toward it. Last evaluated 2026-02-04.

Conditions:
Autosomal recessive distal spinal muscular atrophy 1. Also called: HMN VI; NEURONOPATHY, SEVERE INFANTILE AXONAL, WITH RESPIRATORY FAILURE; NEURONOPATHY, DISTAL HEREDITARY MOTOR, HARDING TYPE VI; NEUROPATHY, DISTAL HEREDITARY MOTOR, AUTOSOMAL RECESSIVE 1; SEVERE INFANTILE AXONAL NEUROPATHY WITH RESPIRATORY FAILURE; SPINAL MUSCULAR ATROPHY, DIAPHRAGMATIC. Identifiers: Orphanet 98920, MedGen C1858517, MONDO:0011436, OMIM 604320.
Charcot-Marie-Tooth disease axonal type 2S. Also called: CHARCOT-MARIE-TOOTH DISEASE, AXONAL, AUTOSOMAL RECESSIVE, TYPE 2S; CHARCOT-MARIE-TOOTH NEUROPATHY, TYPE 2S. Identifiers: Orphanet 443073, MedGen C4015349, MONDO:0014511, OMIM 616155.
Charcot-Marie-Tooth disease. Also called: Charcot-Marie-Tooth Hereditary Neuropathy; Charcot-Marie-Tooth Neuropathy. Identifiers: Orphanet 166, MedGen C0007959, MONDO:0015626.

Allele frequency attached by ClinVar (database versions not stated): TOPMed 0.22485; gnomAD 0.24174 and 0.25006; 1000 Genomes Project 30x 0.24250; 1000 Genomes Project 0.24621; ESP Exome Variant Server 0.24761; gnomAD exomes 0.29067 and 0.30047; ExAC 0.29885.
gnomAD v4.1: 476,744 of 1,613,750 alleles (30%); highest among the groups gnomAD compares: South Asian, 46%; 74,656 homozygotes.

Submissions (15):

Labcorp Genetics (formerly Invitae), Labcorp
Classification: Benign for Autosomal recessive distal spinal muscular atrophy 1; Charcot-Marie-Tooth disease axonal type 2S. Last evaluated: 2026-02-04. Review status: criteria provided, single submitter. Criteria: Invitae Variant Classification Sherloc (09022015). Collection method: clinical testing. Allele origin: germline.

ARUP Laboratories, Molecular Genetics and Genomics, ARUP Laboratories
Classification: Benign. Last evaluated: 2025-07-17. Review status: criteria provided, single submitter. Criteria: ARUP Molecular Germline Variant Investigation Process 2024. Collection method: clinical testing. Allele origin: germline.

Blueprint Genetics
Classification: Likely benign. Last evaluated: 2024-11-27. Review status: criteria provided, single submitter. Criteria: ACMG Guidelines, 2015. Collection method: clinical testing. Allele origin: germline.

Genome-Nilou Lab
Classification: Benign for Charcot-Marie-Tooth disease axonal type 2S. Last evaluated: 2021-08-10. Review status: criteria provided, single submitter. Criteria: ACMG Guidelines, 2015. Collection method: clinical testing. Allele origin: germline. Affected: no.

Athena Diagnostics
Classification: Benign. Last evaluated: 2021-05-03. Review status: criteria provided, single submitter. Criteria: Athena Diagnostics criteria. Collection method: clinical testing. Allele origin: unknown.

Illumina Laboratory Services, Illumina
Classification: Benign for Autosomal recessive distal spinal muscular atrophy 1. Last evaluated: 2018-01-13. Review status: criteria provided, single submitter. Criteria: ICSL Variant Classification Criteria 13 December 2019. Collection method: clinical testing. Allele origin: germline.
Comment: This variant was observed in the ICSL laboratory as part of a predisposition screen in an ostensibly healthy population. It had not been previously curated by ICSL or reported in the Human Gene Mutation Database (HGMD: prior to June 1st, 2018), and was therefore a candidate for classification through an automated scoring system. Utilizing variant allele frequency, disease prevalence and penetrance estimates, and inheritance mode, an automated score was calculated to assess if this variant is too frequent to cause the disease. Based on the score and internal cut-off values, a variant classified as benign is not then subjected to further curation. The score for this variant resulted in a classification of benign for this disease.

Eurofins Ntd Llc (ga)
Classification: Benign. Last evaluated: 2016-09-28. Review status: criteria provided, single submitter. Criteria: EGL Classification Definitions 2015. Collection method: clinical testing. Allele origin: germline. Observed: 2 variant alleles, 2 heterozygotes.

Mayo Clinic Laboratories, Mayo Clinic
Classification: Benign. Last evaluated: 2015-08-26. Review status: criteria provided, single submitter. Criteria: ACMG Guidelines, 2015. Collection method: clinical testing. Allele origin: germline. Observed: 1,006 variant alleles.

GeneDx
Classification: Benign. Last evaluated: 2015-03-03. Review status: criteria provided, single submitter. Criteria: GeneDx Variant Classification Process June 2021. Collection method: clinical testing. Allele origin: germline. Affected: yes.

Breakthrough Genomics
Classification: Benign. Review status: criteria provided, single submitter. Criteria: ACMG Guidelines, 2015. Collection method: not provided. Allele origin: germline. Inheritance: Autosomal recessive inheritance. Affected: yes.

Molecular Genetics Laboratory, London Health Sciences Centre
Classification: Benign for Charcot-Marie-Tooth disease. Review status: criteria provided, single submitter. Criteria: ACMG Guidelines, 2015. Collection method: clinical testing. Allele origin: germline. Affected: yes.

PreventionGenetics, part of Exact Sciences
Classification: Benign. Review status: criteria provided, single submitter. Criteria: ACMG Guidelines, 2015. Collection method: clinical testing. Allele origin: germline.

Clinical Genetics, Academic Medical Center
Classification: Benign. Review status: no assertion criteria provided. Collection method: clinical testing. Allele origin: germline. Affected: yes. Study: VKGL Data-share Consensus. Not counted in ClinVar's aggregate classification.

Diagnostic Laboratory, Department of Genetics, University Medical Center Groningen
Classification: Benign for Autosomal recessive distal spinal muscular atrophy 1. Review status: no assertion criteria provided. Collection method: clinical testing. Allele origin: germline. Affected: yes. Study: VKGL Data-share Consensus. Not counted in ClinVar's aggregate classification.

Joint Genome Diagnostic Labs from Nijmegen and Maastricht, Radboudumc and MUMC+
Classification: Benign. Review status: no assertion criteria provided. Collection method: clinical testing. Allele origin: germline. Affected: yes. Study: VKGL Data-share Consensus. Not counted in ClinVar's aggregate classification.